The following is an entry in ClinVar:

ClinVar aggregate classification (germline): Conflicting classifications of pathogenicity. Review status: criteria provided, conflicting classifications (1 of 4 stars). 6 submissions from 6 submitters: Uncertain significance (1); Likely benign (5). Last evaluated 2026-02-24.

Conditions:
ZNF469-related disorder. Also called: ZNF469-related condition.
Cardiovascular phenotype. Identifiers: MedGen CN230736.

Allele frequency attached by ClinVar (database versions not stated): ExAC 0.00113.
gnomAD v4.1: 166 of 1,548,886 alleles (0.011%); highest among the groups gnomAD compares: South Asian, 0.15%; 3 homozygotes.

Submissions (6):

Women's Health and Genetics/Laboratory Corporation of America, LabCorp
Classification: Likely benign. Last evaluated: 2026-02-24. Review status: criteria provided, single submitter. Criteria: LabCorp Variant Classification Summary - May 2015. Collection method: clinical testing. Allele origin: germline.
Comment: Variant summary: ZNF469 c.8024C>T (p.Pro2675Leu) results in a non-conservative amino acid change in the encoded protein sequence. Algorithms developed to predict the effect of missense changes on protein structure and function are either unavailable or do not agree on the potential impact of this missense change. The variant allele was found at a frequency of 0.00011 in 1548886 control chromosomes, predominantly at a frequency of 0.0015 within the South Asian subpopulation in the gnomAD database, including 3 homozygotes. This frequency is not significantly higher than estimated for disease-causing variants in ZNF469, allowing no conclusion about variant significance. To our knowledge, no occurrence of c.8024C>T in individuals affected with ZNF469-related conditions and no experimental evidence demonstrating its impact on protein function have been reported. ClinVar contains an entry for this variant (Variation ID: 1206723). Based on the evidence outlined above, the variant was classified as likely benign.

PreventionGenetics, part of Exact Sciences
Classification: Uncertain significance for ZNF469-related condition. Last evaluated: 2026-01-05. Review status: criteria provided, single submitter. Criteria: ACMG Guidelines, 2015. Collection method: clinical testing. Allele origin: germline.
Comment: The ZNF469 c.7940C>T variant is predicted to result in the amino acid substitution p.Pro2647Leu. To our knowledge, this variant has not been reported in the literature. This variant is reported in 0.14% of alleles in individuals of South Asian descent in gnomAD. Although we suspect that this variant may be benign, at this time, the clinical significance of this variant is uncertain due to the absence of conclusive functional and genetic evidence.

Labcorp Genetics (formerly Invitae), Labcorp
Classification: Likely benign. Last evaluated: 2025-11-23. Review status: criteria provided, single submitter. Criteria: Invitae Variant Classification Sherloc (09022015). Collection method: clinical testing. Allele origin: germline.

CeGaT Center for Human Genetics Tuebingen
Classification: Likely benign. Last evaluated: 2023-06-01. Review status: criteria provided, single submitter. Criteria: CeGaT Center For Human Genetics Tuebingen Variant Classification Criteria Version 2. Collection method: clinical testing. Allele origin: germline. Affected: yes. Observed: 2 variant alleles.
Comment: ZNF469: BP4, BS2

Ambry Genetics
Classification: Likely benign for Cardiovascular phenotype. Last evaluated: 2023-03-13. Review status: criteria provided, single submitter. Criteria: Ambry Variant Classification Scheme 2023. Collection method: clinical testing. Allele origin: germline.

GeneDx
Classification: Likely benign. Last evaluated: 2019-03-22. Review status: criteria provided, single submitter. Criteria: GeneDx Variant Classification Process June 2021. Collection method: clinical testing. Allele origin: germline. Affected: yes.

NM_001367624.2(ZNF469):c.8024C>T (p.Pro2675Leu)

Gene: ZNF469 (zinc finger protein 469; plus strand). Cytogenetic location: 16q24.2.
Variant type: single nucleotide variant.
Coding change: c.8024C>T on transcript NM_001367624.2 (MANE Select); coding-DNA position 8024, C replaced by T.
Protein change: p.Pro2675Leu; replaces proline 2675 with leucine.
Molecular consequence: missense variant.
Genome position (GRCh38, 1-based): chr16:88,435,494, C>T. VCF-style: chr16-88435494-C-T. GRCh37 (hg19) VCF-style: chr16-88501902-C-T.
Other names: NM_001127464.1:c.7940C>T; NM_001127464.2:c.7940C>T; short protein forms P2675L.
Identifiers: ClinVar variation 1206723 (VCV001206723.40), dbSNP rs751102147, ClinGen allele CA8225303.